The following is an entry in ClinVar:

ClinVar aggregate classification (germline): Conflicting classifications of pathogenicity. Review status: criteria provided, conflicting classifications (1 of 4 stars). 2 submissions from 2 submitters: Uncertain significance (1); Likely benign (1). Last evaluated 2025-02-16.

Conditions:
Genitopatellar syndrome (GTPTS). Also called: Genitopatellar syndrome (GPS); ABSENT PATELLAE, SCROTAL HYPOPLASIA, RENAL ANOMALIES, FACIAL DYSMORPHISM, AND MENTAL RETARDATION. Identifiers: Orphanet 85201, MedGen C1853566, MONDO:0011640, OMIM 606170.

Allele frequency attached by ClinVar (database versions not stated): gnomAD exomes 0.00001 and 0.00002; ExAC 0.00002.
gnomAD v4.1: 9 of 1,612,986 alleles (0.00056%); highest among the groups gnomAD compares: East Asian, 0.0089%; 1 homozygote.

Submissions (2):

Laboratory of Genetics, Children's Clinical University Hospital Latvia
Classification: Likely benign. Last evaluated: 2025-02-16. Review status: criteria provided, single submitter. Criteria: ACMG Guidelines, 2015. Collection method: clinical testing. Allele origin: germline. Affected: yes.

Labcorp Genetics (formerly Invitae), Labcorp
Classification: Uncertain significance for Genitopatellar syndrome. Last evaluated: 2023-06-15. Review status: criteria provided, single submitter. Criteria: Invitae Variant Classification Sherloc (09022015). Collection method: clinical testing. Allele origin: germline.
Comment: This variant is present in population databases (rs754457692, gnomAD 0.006%). In summary, the available evidence is currently insufficient to determine the role of this variant in disease. Therefore, it has been classified as a Variant of Uncertain Significance. Variants that disrupt the consensus splice site are a relatively common cause of aberrant splicing (PMID: 17576681, 9536098). Algorithms developed to predict the effect of sequence changes on RNA splicing suggest that this variant is not likely to affect RNA splicing. ClinVar contains an entry for this variant (Variation ID: 1378440). This variant has not been reported in the literature in individuals affected with KAT6B-related conditions. This sequence change falls in intron 3 of the KAT6B gene. It does not directly change the encoded amino acid sequence of the KAT6B protein. It affects a nucleotide within the consensus splice site.

Literature cited by the submitters: PubMed 17576681 (cited by Labcorp Genetics (formerly Invitae), Labcorp); PubMed 9536098 (cited by Labcorp Genetics (formerly Invitae), Labcorp).

NM_012330.4(KAT6B):c.621+6C>T

Gene: KAT6B (lysine acetyltransferase 6B; plus strand). Cytogenetic location: 10q22.2.
Variant type: single nucleotide variant.
Coding change: c.621+6C>T on transcript NM_012330.4 (MANE Select); 6 bases into the intron after coding-DNA position 621, C replaced by T.
Molecular consequence: intron variant.
Genome position (GRCh38, 1-based): chr10:74,843,484, C>T. VCF-style: chr10-74843484-C-T. GRCh37 (hg19) VCF-style: chr10-76603242-C-T.
Other names: c.621+6C>T (NM_001370139.1, NM_001370136.1, NM_001370138.1 and 10 more transcripts); c.83+6C>T (NM_001370134.1, NM_001370135.1).
Identifiers: ClinVar variation 1378440 (VCV001378440.7), dbSNP rs754457692, ClinGen allele CA5564247.